The following is an entry in ClinVar:

ClinVar aggregate classification (germline): Uncertain significance (1 of 4 stars; one submission).

Conditions:
Combined oxidative phosphorylation defect type 17. Also called: Combined oxidative phosphorylation deficiency 17. Identifiers: Orphanet 369913, MedGen C3809526, MONDO:0014190, OMIM 615440.

Submission:

Labcorp Genetics (formerly Invitae), Labcorp
Classification: Uncertain significance for Combined oxidative phosphorylation defect type 17. Last evaluated: 2024-10-16. Review status: criteria provided, single submitter. Criteria: Invitae Variant Classification Sherloc (09022015). Collection method: clinical testing. Allele origin: germline.
Comment: This sequence change replaces threonine, which is neutral and polar, with proline, which is neutral and non-polar, at codon 681 of the ELAC2 protein (p.Thr681Pro). This variant is not present in population databases (gnomAD no frequency). This variant has not been reported in the literature in individuals affected with ELAC2-related conditions. Invitae Evidence Modeling of protein sequence and biophysical properties (such as structural, functional, and spatial information, amino acid conservation, physicochemical variation, residue mobility, and thermodynamic stability) indicates that this missense variant is expected to disrupt ELAC2 protein function with a positive predictive value of 80%. In summary, the available evidence is currently insufficient to determine the role of this variant in disease. Therefore, it has been classified as a Variant of Uncertain Significance.

NM_018127.7(ELAC2):c.2041A>C (p.Thr681Pro)

Gene: ELAC2 (elaC ribonuclease Z 2; minus strand). Cytogenetic location: 17p12.
Variant type: single nucleotide variant.
Coding change: c.2041A>C on transcript NM_018127.7 (MANE Select); coding-DNA position 2041, A replaced by C.
Protein change: p.Thr681Pro; replaces threonine 681 with proline.
Molecular consequence: missense variant.
Genome position (GRCh38, 1-based): chr17:12,994,492, T>G on the plus strand (A>C on the coding strand, the complement: ELAC2 is on the minus strand). VCF-style: chr17-12994492-T-G. GRCh37 (hg19) VCF-style: chr17-12897809-T-G.
Other names: c.2038A>C, p.Thr680Pro (NM_173717.2); c.1921A>C, p.Thr641Pro (NM_001165962.2); short protein forms T641P, T680P, T681P.
Identifiers: ClinVar variation 3621380 (VCV003621380.2).